The following is an entry in ClinVar:

ClinVar aggregate classification (germline): Likely benign. Review status: criteria provided, multiple submitters, no conflicts (2 of 4 stars). 3 submissions from 3 submitters: Likely benign (3). Last evaluated 2025-09-08.

Conditions:
CEP290-related disorder. Also called: CEP290-related condition; CEP290-related disorders. Identifiers: MedGen CN239314.
Nephronophthisis. Also called: Juvenile Nephronophthisis. Identifiers: Orphanet 655, MedGen C0687120, MONDO:0019005, HP:0000090.
Joubert syndrome. Also called: JOUBERT-BOLTSHAUSER SYNDROME; Familial aplasia of the vermis. Identifiers: Orphanet 475, MedGen C5979921, MONDO:0018772.
Meckel-Gruber syndrome. Also called: DYSENCEPHALIA SPLANCHNOCYSTICA; GRUBER SYNDROME; Dysencephalia splachnocystica. Identifiers: Orphanet 564, MedGen C0265215, MONDO:0018921.
Joubert syndrome 5 (JBTS5). Identifiers: Orphanet 2318, MedGen C1857780, MONDO:0012432, OMIM 610188.
Senior-Loken syndrome 6 (SLSN6). Identifiers: Orphanet 3156, MedGen C1857779, MONDO:0012433, OMIM 610189.
Meckel syndrome, type 4 (MKS4). Also called: MECKEL-GRUBER SYNDROME, TYPE 4. Identifiers: Orphanet 564, MedGen C1970161, MONDO:0012626, OMIM 611134.
Bardet-Biedl syndrome 14 (BBS14). Identifiers: Orphanet 110, MedGen C2673874, MONDO:0014442, OMIM 615991.
Leber congenital amaurosis 10 (LCA10). Identifiers: Orphanet 65, MedGen C1857821, MONDO:0012723, OMIM 611755.

Allele frequency attached by ClinVar (database versions not stated): gnomAD exomes below 0.00001; TOPMed 0.00001.
gnomAD v4.1: 3 of 1,234,010 alleles (0.00024%); highest among the groups gnomAD compares: Admixed American, 0.012%; no homozygotes.

Submissions (3):

PreventionGenetics, part of Exact Sciences
Classification: Likely benign for CEP290-related condition. Last evaluated: 2025-09-08. Review status: criteria provided, single submitter. Criteria: ACMG Guidelines, 2015. Collection method: clinical testing. Allele origin: germline.
Comment: This variant is classified as likely benign based on ACMG/AMP sequence variant interpretation guidelines (Richards et al. 2015 PMID: 25741868, with internal and published modifications).

Labcorp Genetics (formerly Invitae), Labcorp
Classification: Likely benign for Joubert syndrome; Meckel-Gruber syndrome; Nephronophthisis. Last evaluated: 2024-02-19. Review status: criteria provided, single submitter. Criteria: Invitae Variant Classification Sherloc (09022015). Collection method: clinical testing. Allele origin: germline.

Fulgent Genetics
Classification: Likely benign for Joubert syndrome 5; Senior-Loken syndrome 6; Meckel syndrome, type 4; Leber congenital amaurosis 10; Bardet-Biedl syndrome 14. Last evaluated: 2021-12-15. Review status: criteria provided, single submitter. Criteria: ACMG Guidelines, 2015. Collection method: clinical testing. Allele origin: unknown.

NM_025114.4(CEP290):c.4095A>G (p.Leu1365=)

Gene: CEP290 (centrosomal protein 290; minus strand). Cytogenetic location: 12q21.32.
Variant type: single nucleotide variant.
Coding change: c.4095A>G on transcript NM_025114.4 (MANE Select); coding-DNA position 4095, A replaced by G.
Protein change: p.Leu1365=; no amino-acid change (leucine 1365 retained).
Molecular consequence: synonymous variant.
Genome position (GRCh38, 1-based): chr12:88,087,879, T>C on the plus strand (A>G on the coding strand, the complement: CEP290 is on the minus strand). VCF-style: chr12-88087879-T-C. GRCh37 (hg19) VCF-style: chr12-88481656-T-C.
Other names: c.4095A>G (NM_025114.3).
Identifiers: ClinVar variation 1156262 (VCV001156262.11), dbSNP rs1006145739, ClinGen allele CA241162926.